The following is an entry in ClinVar:

NM_001035.3(RYR2):c.8123C>A (p.Thr2708Asn)

Gene: RYR2 (ryanodine receptor 2; plus strand). Cytogenetic location: 1q43.
Variant type: single nucleotide variant.
Coding change: c.8123C>A on transcript NM_001035.3 (MANE Select); coding-DNA position 8123, C replaced by A.
Protein change: p.Thr2708Asn; replaces threonine 2708 with asparagine.
Molecular consequence: missense variant.
Genome position (GRCh38, 1-based): chr1:237,655,978, C>A. VCF-style: chr1-237655978-C-A. GRCh37 (hg19) VCF-style: chr1-237819278-C-A.
Other names: short protein forms T2708N.
Identifiers: ClinVar variation 919490 (VCV000919490.5), dbSNP rs1683206930, ClinGen allele CA345401079.

ClinVar aggregate classification (germline): Uncertain significance (1 of 4 stars; one submission).

Conditions:
Cardiomyopathy (CMYO). Also called: Cardiomyopathies. Identifiers: Orphanet 167848, MedGen C0878544, MONDO:0004994, HP:0001638. Inheritance: Various modes of inheritance.

Submission:

Color Diagnostics, LLC DBA Color Health
Classification: Uncertain significance for Cardiomyopathy. Last evaluated: 2024-03-06. Review status: criteria provided, single submitter. Criteria: ACMG Guidelines, 2015. Collection method: clinical testing. Allele origin: germline.
Comment: This variant is located in the RYR2 protein. Computational prediction suggests that this variant may have deleterious impact on protein structure and function (internally defined REVEL score threshold >= 0.7, PMID: 27666373). To our knowledge, functional studies have not been reported for this variant. This variant has not been reported in individuals affected with cardiovascular disorders in the literature. This variant has not been identified in the general population by the Genome Aggregation Database (gnomAD). The available evidence is insufficient to determine the role of this variant in disease conclusively. Therefore, this variant is classified as a Variant of Uncertain Significance.